The following is an entry in ClinVar:

NM_021098.3(CACNA1H):c.5596A>C (p.Ser1866Arg)

Gene: CACNA1H (calcium voltage-gated channel subunit alpha1 H; plus strand). Cytogenetic location: 16p13.3.
Variant type: single nucleotide variant.
Coding change: c.5596A>C on transcript NM_021098.3 (MANE Select); coding-DNA position 5596, A replaced by C.
Protein change: p.Ser1866Arg; replaces serine 1866 with arginine.
Molecular consequence: missense variant.
Genome position (GRCh38, 1-based): chr16:1,218,360, A>C. VCF-style: chr16-1218360-A-C. GRCh37 (hg19) VCF-style: chr16-1268360-A-C.
Other names: c.5578A>C, p.Ser1860Arg (NM_001005407.2); short protein forms S1866R, S1860R.
Identifiers: ClinVar variation 2132060 (VCV002132060.4), dbSNP rs1417885961, ClinGen allele CA394147510.

ClinVar aggregate classification (germline): Uncertain significance (1 of 4 stars; one submission).

Conditions:
Idiopathic generalized epilepsy. Also called: Generalised epilepsy; EIG. Identifiers: MedGen C0270850, MONDO:0005579, OMIM 600669.
Hyperaldosteronism, familial, type IV (HALD4). Also called: FH IV; ALDOSTERONISM, PRIMARY, AND HYPERTENSION. Identifiers: Orphanet 642671, MedGen C4310756, MONDO:0014875, OMIM 617027.

Submission:

Labcorp Genetics (formerly Invitae), Labcorp
Classification: Uncertain significance for Idiopathic generalized epilepsy; Hyperaldosteronism, familial, type IV. Last evaluated: 2023-10-27. Review status: criteria provided, single submitter. Criteria: Invitae Variant Classification Sherloc (09022015). Collection method: clinical testing. Allele origin: germline.
Comment: This sequence change replaces serine, which is neutral and polar, with arginine, which is basic and polar, at codon 1866 of the CACNA1H protein (p.Ser1866Arg). This variant is not present in population databases (gnomAD no frequency). This variant has not been reported in the literature in individuals affected with CACNA1H-related conditions. ClinVar contains an entry for this variant (Variation ID: 2132060). Advanced modeling of protein sequence and biophysical properties (such as structural, functional, and spatial information, amino acid conservation, physicochemical variation, residue mobility, and thermodynamic stability) has been performed at Invitae for this missense variant, however the output from this modeling did not meet the statistical confidence thresholds required to predict the impact of this variant on CACNA1H protein function. In summary, the available evidence is currently insufficient to determine the role of this variant in disease. Therefore, it has been classified as a Variant of Uncertain Significance.